The following is an entry in ClinVar:

NM_001206979.2(NR1H4):c.76T>C (p.Phe26Leu)

Gene: NR1H4 (nuclear receptor subfamily 1 group H member 4; plus strand). Cytogenetic location: 12q23.1.
Variant type: single nucleotide variant.
Coding change: c.76T>C on transcript NM_001206979.2 (MANE Select); coding-DNA position 76, T replaced by C.
Protein change: p.Phe26Leu; replaces phenylalanine 26 with leucine.
Molecular consequence: missense variant. On other transcripts: non-coding transcript variant (1).
Genome position (GRCh38, 1-based): chr12:100,493,399, T>C. VCF-style: chr12-100493399-T-C. GRCh37 (hg19) VCF-style: chr12-100887177-T-C.
Other names: c.76T>C, p.Phe26Leu (NM_001206977.2, NM_001206978.2, NM_005123.4); short protein forms F26L.
Identifiers: ClinVar variation 4122429 (VCV004122429.2).
Genomic context (GRCh38, chr12:100,493,399, plus strand): 5'-AATCTCATTGAACATTCCCATTTACCTACCACAGATGAATTTTCTTTTTCTGAAAATTTA[T>C]TTGGTAAGTTGTCAAGTTCATTTGAATATCAATAAGAACAAACTACGATTTGGAAATACA-3'
Protein context (NP_001193908.1, residues 16-36): TDEFSFSENL[Phe26Leu]GVLTEQVAGP

ClinVar aggregate classification (germline): Uncertain significance. Review status: criteria provided, multiple submitters, no conflicts (2 of 4 stars). 2 submissions from 2 submitters: Uncertain significance (2). Last evaluated 2025-11-11.

Conditions:
NR1H4-related disorder. Also called: NR1H4-related condition.
Inborn genetic diseases. Identifiers: MedGen C0950123, MeSH D030342.

gnomAD v4.1: 15 of 1,449,698 alleles (0.001%); highest among the groups gnomAD compares: Admixed American, 0.0018%; no homozygotes.

Submissions (2):

PreventionGenetics, part of Exact Sciences
Classification: Uncertain significance for NR1H4-related condition. Last evaluated: 2025-11-11. Review status: criteria provided, single submitter. Criteria: ACMG Guidelines, 2015. Collection method: clinical testing. Allele origin: germline.
Comment: The NR1H4 c.76T>C variant is predicted to result in the amino acid substitution p.Phe26Leu. To our knowledge, this variant has not been reported in the literature. This variant is reported in 0.0012% of alleles in individuals of European (Non-Finnish) descent in gnomAD. At this time, the clinical significance of this variant is uncertain due to the absence of conclusive functional and genetic evidence.

Ambry Genetics
Classification: Uncertain significance for Inborn genetic diseases. Last evaluated: 2025-07-14. Review status: criteria provided, single submitter. Criteria: Ambry Variant Classification Scheme 2023. Collection method: clinical testing. Allele origin: germline.